The following is an entry in ClinVar:

NM_153006.3(NAGS):c.339C>A (p.Cys113Ter)

Gene: NAGS (N-acetylglutamate synthase; plus strand). Cytogenetic location: 17q21.31.
Variant type: single nucleotide variant.
Coding change: c.339C>A on transcript NM_153006.3 (MANE Select); coding-DNA position 339, C replaced by A.
Protein change: p.Cys113Ter; replaces cysteine 113 with a stop codon.
Molecular consequence: nonsense.
Genome position (GRCh38, 1-based): chr17:44,005,002, C>A. VCF-style: chr17-44005002-C-A. GRCh37 (hg19) VCF-style: chr17-42082370-C-A.
Other names: short protein forms C113*.
Identifiers: ClinVar variation 2817617 (VCV002817617.3), dbSNP rs1309298089, ClinGen allele CA399737634.

ClinVar aggregate classification (germline): Pathogenic (1 of 4 stars; one submission).

Conditions:
Hyperammonemia, type III (NAGSD). Also called: Hyperammonemia due to N-acetylglutamate synthase deficiency. Identifiers: Orphanet 927, MedGen C0268543, MONDO:0009377, OMIM 237310.

Submission:

Labcorp Genetics (formerly Invitae), Labcorp
Classification: Pathogenic for Hyperammonemia, type III. Last evaluated: 2024-10-29. Review status: criteria provided, single submitter. Criteria: Invitae Variant Classification Sherloc (09022015). Collection method: clinical testing. Allele origin: germline.
Comment: This sequence change creates a premature translational stop signal (p.Cys113*) in the NAGS gene. It is expected to result in an absent or disrupted protein product. Loss-of-function variants in NAGS are known to be pathogenic (PMID: 12594532). This variant is not present in population databases (gnomAD no frequency). This variant has not been reported in the literature in individuals affected with NAGS-related conditions. For these reasons, this variant has been classified as Pathogenic.

Literature cited by the submitters: PubMed 12594532.